The following is an entry in ClinVar:

NM_020207.7(ERCC6L2):c.1780G>T (p.Gly594Cys)

Gene: ERCC6L2 (ERCC excision repair 6 like 2; plus strand). Cytogenetic location: 9q22.32.
Variant type: single nucleotide variant.
Coding change: c.1780G>T on transcript NM_020207.7 (MANE Select); coding-DNA position 1780, G replaced by T.
Protein change: p.Gly594Cys; replaces glycine 594 with cysteine.
Molecular consequence: missense variant. On other transcripts: non-coding transcript variant (1).
Genome position (GRCh38, 1-based): chr9:95,941,482, G>T. VCF-style: chr9-95941482-G-T. GRCh37 (hg19) VCF-style: chr9-98703764-G-T.
Other names: c.1780G>T, p.Gly594Cys (NM_001010895.4, NM_001375291.1, NM_001375292.1 and 2 more transcripts); short protein forms G594C.
Identifiers: ClinVar variation 3510020 (VCV003510020.1).
Genomic context (GRCh38, chr9:95,941,482, plus strand): 5'-TAATGTGCTTTTTTTTTTTCTCTTTCCTCCAGGGCTGGTGGACTAGGCCTCAATTTTGTC[G>T]GTGCCAATGTTGTTGTATTATTTGATCCTACTTGGAATCCAGCCAATGATCTTCAAGCCA-3'
Protein context (NP_064592.3, residues 584-604): MAGGLGLNFV[Gly594Cys]ANVVVLFDPT

ClinVar aggregate classification (germline): Uncertain significance (1 of 4 stars; one submission).

Conditions:
Inborn genetic diseases. Identifiers: MedGen C0950123, MeSH D030342.

Submission:

Ambry Genetics
Classification: Uncertain significance for Inborn genetic diseases. Last evaluated: 2024-12-07. Review status: criteria provided, single submitter. Criteria: Ambry Variant Classification Scheme 2023. Collection method: clinical testing. Allele origin: germline.
Comment: The p.G594C variant (also known as c.1780G>T), located in coding exon 12 of the ERCC6L2 gene, results from a G to T substitution at nucleotide position 1780. The glycine at codon 594 is replaced by cysteine, an amino acid with highly dissimilar properties. This amino acid position is conserved. In addition, the in silico prediction for this alteration is inconclusive. Based on the available evidence, the clinical significance of this variant remains unclear.